The following is an entry in ClinVar:

ClinVar aggregate classification (germline): Uncertain significance. Review status: criteria provided, multiple submitters, no conflicts (2 of 4 stars). 4 submissions from 4 submitters: Uncertain significance (4). Last evaluated 2024-08-31.

Conditions:
Cardiovascular phenotype. Identifiers: MedGen CN230736.
Catecholaminergic polymorphic ventricular tachycardia (CVPT). Also called: Catecholamine-induced polymorphic ventricular tachycardia. Identifiers: Orphanet 3286, MedGen C5574922, MONDO:0017990.
Cardiomyopathy (CMYO). Also called: Cardiomyopathies. Identifiers: Orphanet 167848, MedGen C0878544, MONDO:0004994, HP:0001638. Inheritance: Various modes of inheritance.
Catecholaminergic polymorphic ventricular tachycardia 1. Also called: RYR2-Related Catecholaminergic Polymorphic Ventricular Tachycardia; VENTRICULAR TACHYCARDIA, CATECHOLAMINERGIC POLYMORPHIC, 1, WITH OR WITHOUT ATRIAL DYSFUNCTION AND/OR DILATED CARDIOMYOPATHY; VENTRICULAR TACHYCARDIA, STRESS-INDUCED POLYMORPHIC 1. Identifiers: Orphanet 3286, MedGen C1631597, MONDO:0011484, OMIM 604772.

gnomAD v4.1: 1 of 1,611,984 alleles (0.000062%); highest among the groups gnomAD compares: Non-Finnish European, 0.000085%; no homozygotes.

Submissions (4):

Labcorp Genetics (formerly Invitae), Labcorp
Classification: Uncertain significance for Catecholaminergic polymorphic ventricular tachycardia 1. Last evaluated: 2024-08-31. Review status: criteria provided, single submitter. Criteria: Invitae Variant Classification Sherloc (09022015). Collection method: clinical testing. Allele origin: germline.
Comment: This sequence change replaces methionine, which is neutral and non-polar, with valine, which is neutral and non-polar, at codon 4672 of the RYR2 protein (p.Met4672Val). This variant is not present in population databases (gnomAD no frequency). This variant has not been reported in the literature in individuals affected with RYR2-related conditions. ClinVar contains an entry for this variant (Variation ID: 519427). Invitae Evidence Modeling of protein sequence and biophysical properties (such as structural, functional, and spatial information, amino acid conservation, physicochemical variation, residue mobility, and thermodynamic stability) indicates that this missense variant is not expected to disrupt RYR2 protein function with a negative predictive value of 95%. In summary, the available evidence is currently insufficient to determine the role of this variant in disease. Therefore, it has been classified as a Variant of Uncertain Significance.

All of Us Research Program, National Institutes of Health
Classification: Uncertain significance for Catecholaminergic polymorphic ventricular tachycardia. Last evaluated: 2024-05-30. Review status: criteria provided, single submitter. Criteria: ACMG Guidelines, 2015. Collection method: clinical testing. Allele origin: germline. Inheritance: Autosomal dominant inheritance. Observed: 1 variant allele, 1 heterozygote.
Comment: Variant of Uncertain Significance due to insufficient evidence: This missense variant replaces methionine with valine at codon 4672 of the RYR2 protein. Computational prediction tools and conservation analyses are inconclusive regarding the impact of this variant on the protein function. Computational splicing tools suggest that this variant may not impact RNA splicing. To our knowledge, functional assays have not been performed for this variant nor has this variant been reported in individuals affected with cardiovascular disorders in the literature. This variant is rare in the general population and has been identified in 0/277264 chromosomes by the Genome Aggregation Database (gnomAD). Available evidence is insufficient to determine the role of this variant in disease conclusively.

This study involves interpretation of variants in research participants for the purpose of population health screening. Participant phenotype was not available at the time of variant classification. Additional details can be found in publication PMID: 35346344, PMCID: PMC8962531

Color Diagnostics, LLC DBA Color Health
Classification: Uncertain significance for Cardiomyopathy. Last evaluated: 2023-12-05. Review status: criteria provided, single submitter. Criteria: ACMG Guidelines, 2015. Collection method: clinical testing. Allele origin: germline.
Comment: Variant of Uncertain Significance due to insufficient evidence: This missense variant replaces methionine with valine at codon 4672 of the RYR2 protein. Computational prediction tools and conservation analyses are inconclusive regarding the impact of this variant on the protein function. Computational splicing tools suggest that this variant may not impact RNA splicing. To our knowledge, functional assays have not been performed for this variant nor has this variant been reported in individuals affected with cardiovascular disorders in the literature. This variant is rare in the general population and has been identified in 0/277264 chromosomes by the Genome Aggregation Database (gnomAD). Available evidence is insufficient to determine the role of this variant in disease conclusively.

Ambry Genetics
Classification: Uncertain significance for Cardiovascular phenotype. Last evaluated: 2017-03-29. Review status: criteria provided, single submitter. Criteria: Ambry Variant Classification Scheme 2023. Collection method: clinical testing. Allele origin: germline.
Comment: The p.M4672V variant (also known as c.14014A>G), located in coding exon 97 of the RYR2 gene, results from an A to G substitution at nucleotide position 14014. The methionine at codon 4672 is replaced by valine, an amino acid with highly similar properties. This amino acid position is well conserved in available vertebrate species. In addition, the in silico prediction for this alteration is inconclusive. Since supporting evidence is limited at this time, the clinical significance of this alteration remains unclear.

NM_001035.3(RYR2):c.14014A>G (p.Met4672Val)

Gene: RYR2 (ryanodine receptor 2; plus strand). Cytogenetic location: 1q43.
Variant type: single nucleotide variant.
Coding change: c.14014A>G on transcript NM_001035.3 (MANE Select); coding-DNA position 14014, A replaced by G.
Protein change: p.Met4672Val; replaces methionine 4672 with valine.
Molecular consequence: missense variant.
Genome position (GRCh38, 1-based): chr1:237,798,094, A>G. VCF-style: chr1-237798094-A-G. GRCh37 (hg19) VCF-style: chr1-237961394-A-G.
Other names: c.14014A>G, p.Met4672Val (LRG_402t1); short protein forms M4672V.
Identifiers: ClinVar variation 519427 (VCV000519427.13), dbSNP rs1423265074, ClinGen allele CA345419752.